The following is an entry in ClinVar:

ClinVar aggregate classification (germline): Likely benign (1 of 4 stars; one submission).

Allele frequency attached by ClinVar (database versions not stated): gnomAD exomes 0.00002; TOPMed 0.00002; ExAC 0.00003; gnomAD 0.00003 and 0.00004.
gnomAD v4.1: 12 of 1,524,704 alleles (0.00079%); highest among the groups gnomAD compares: East Asian, 0.028%; no homozygotes.

Submission:

GeneDx
Classification: Likely benign. Last evaluated: 2017-12-07. Review status: criteria provided, single submitter. Criteria: GeneDx Variant Classification (06012015). Collection method: clinical testing. Allele origin: germline. Affected: yes.
Comment: This variant is considered likely benign or benign based on one or more of the following criteria: it is a conservative change, it occurs at a poorly conserved position in the protein, it is predicted to be benign by multiple in silico algorithms, and/or has population frequency not consistent with disease.

NM_021100.5(NFS1):c.790+7G>T

Gene: NFS1 (NFS1 cysteine desulfurase; minus strand). Cytogenetic location: 20q11.22.
Variant type: single nucleotide variant.
Coding change: c.790+7G>T on transcript NM_021100.5 (MANE Select); 7 bases into the intron after coding-DNA position 790, G replaced by T.
Molecular consequence: intron variant.
Genome position (GRCh38, 1-based): chr20:35,680,730, C>A on the plus strand (G>T on the coding strand, the complement: NFS1 is on the minus strand). VCF-style: chr20-35680730-C-A. GRCh37 (hg19) VCF-style: chr20-34268652-C-A.
Other names: c.637+7G>T (NM_001198989.2).
Identifiers: ClinVar variation 513610 (VCV000513610.1), dbSNP rs745523333, ClinGen allele CA9837154.